The following is an entry in ClinVar:

ClinVar aggregate classification (germline): Uncertain significance (1 of 4 stars; one submission).

Submission:

Labcorp Genetics (formerly Invitae), Labcorp
Classification: Uncertain significance. Last evaluated: 2025-04-29. Review status: criteria provided, single submitter. Criteria: Invitae Variant Classification Sherloc (09022015). Collection method: clinical testing. Allele origin: germline.
Comment: This sequence change falls in intron 1 of the F12 gene. It does not directly change the encoded amino acid sequence of the F12 protein. It affects a nucleotide within the consensus splice site. This variant is present in population databases (rs754468573, gnomAD 0.006%). This variant has not been reported in the literature in individuals affected with F12-related conditions. Variants that disrupt the consensus splice site are a relatively common cause of aberrant splicing (PMID: 17576681, 9536098). Algorithms developed to predict the effect of sequence changes on RNA splicing suggest that this variant is not likely to affect RNA splicing. In summary, the available evidence is currently insufficient to determine the role of this variant in disease. Therefore, it has been classified as a Variant of Uncertain Significance.

Literature cited by the submitters: PubMed 17576681; PubMed 9536098.

NM_000505.4(F12):c.57+3G>A

Gene: F12 (coagulation factor XII; minus strand). Cytogenetic location: 5q35.3.
Variant type: single nucleotide variant.
Coding change: c.57+3G>A on transcript NM_000505.4 (MANE Select); 3 bases into the intron after coding-DNA position 57, G replaced by A.
Molecular consequence: intron variant.
Genome position (GRCh38, 1-based): chr5:177,409,468, C>T on the plus strand (G>A on the coding strand, the complement: F12 is on the minus strand). VCF-style: chr5-177409468-C-T. GRCh37 (hg19) VCF-style: chr5-176836469-C-T.
Identifiers: ClinVar variation 4797428 (VCV004797428.1).